The following is an entry in ClinVar:

ClinVar aggregate classification (germline): Benign (1 of 4 stars; one submission).

Conditions:
Spondyloepiphyseal dysplasia tarda (SEDT). Also called: SPONDYLOEPIPHYSEAL DYSPLASIA, LATE. Identifiers: Orphanet 93284, MedGen CN033239, MONDO:0019667.

Allele frequency attached by ClinVar (database versions not stated): gnomAD 0.01452 and 0.01542; 1000 Genomes Project 30x 0.01498; 1000 Genomes Project 0.01510; TOPMed 0.01755.

Submission:

Illumina Laboratory Services, Illumina
Classification: Benign for Spondyloepiphyseal dysplasia tarda, X-linked. Last evaluated: 2018-01-12. Review status: criteria provided, single submitter. Criteria: ICSL Variant Classification Criteria 13 December 2019. Collection method: clinical testing. Allele origin: germline.
Comment: This variant was observed in the ICSL laboratory as part of a predisposition screen in an ostensibly healthy population. It had not been previously curated by ICSL or reported in the Human Gene Mutation Database (HGMD: prior to June 1st, 2018), and was therefore a candidate for classification through an automated scoring system. Utilizing variant allele frequency, disease prevalence and penetrance estimates, and inheritance mode, an automated score was calculated to assess if this variant is too frequent to cause the disease. Based on the score and internal cut-off values, a variant classified as benign is not then subjected to further curation. The score for this variant resulted in a classification of benign for this disease.

NM_001011658.4(TRAPPC2):c.*490C>T

Gene: TRAPPC2 (trafficking protein particle complex subunit 2; minus strand). Cytogenetic location: Xp22.2.
Variant type: single nucleotide variant.
Coding change: c.*490C>T on transcript NM_001011658.4 (MANE Select); 490 bases downstream of the stop codon, C replaced by T.
Molecular consequence: 3 prime UTR variant.
Genome position (GRCh38, 1-based): chrX:13,713,917, G>A on the plus strand (C>T on the coding strand, the complement: TRAPPC2 is on the minus strand). VCF-style: chrX-13713917-G-A. GRCh37 (hg19) VCF-style: chrX-13732036-G-A.
Other names: c.*490C>T (NM_001128835.3, NM_014563.6).
Identifiers: ClinVar variation 367986 (VCV000367986.5), dbSNP rs186451206, ClinGen allele CA10646001.